The following is an entry in ClinVar:

ClinVar aggregate classification (germline): Benign/Likely benign. Review status: criteria provided, multiple submitters, no conflicts (2 of 4 stars). 2 submissions from 2 submitters: Benign (1); Likely benign (1). Last evaluated 2024-04-05.

Conditions:
Hereditary cancer-predisposing syndrome. Also called: Neoplastic Syndromes, Hereditary; Tumor predisposition; Hereditary Cancer Syndrome; Hereditary neoplastic syndrome. Identifiers: Orphanet 140162, MedGen C0027672, MeSH D009386, MONDO:0015356.
Familial adenomatous polyposis 1 (FAP1). Also called: FAMILIAL ADENOMATOUS POLYPOSIS 1, ATTENUATED; POLYPOSIS, ADENOMATOUS INTESTINAL. Identifiers: MedGen C2713442, MONDO:0021056, OMIM 175100. Disease mechanism: loss of function.

Allele frequency attached by ClinVar (database versions not stated): gnomAD exomes below 0.00001; ExAC 0.00001.
gnomAD v4.1: 1 of 1,614,032 alleles (0.000062%); highest among the groups gnomAD compares: South Asian, 0.0011%; no homozygotes.

Submissions (2):

Myriad Genetics, Inc.
Classification: Benign for Familial adenomatous polyposis 1. Last evaluated: 2024-04-05. Review status: criteria provided, single submitter. Criteria: Myriad Autosomal Dominant, Autosomal Recessive and X-Linked Classification Criteria (2023). Collection method: clinical testing. Allele origin: unknown.
Comment: This variant is considered benign. This variant is a silent/synonymous amino acid change and it is not expected to impact splicing.

Ambry Genetics
Classification: Likely benign for Hereditary cancer-predisposing syndrome. Last evaluated: 2022-10-08. Review status: criteria provided, single submitter. Criteria: Ambry Variant Classification Scheme 2023. Collection method: clinical testing. Allele origin: germline.

NM_000038.6(APC):c.6867A>T (p.Thr2289=)

Gene: APC (APC regulator of Wnt signaling pathway; plus strand). Cytogenetic location: 5q22.2.
Variant type: single nucleotide variant.
Coding change: c.6867A>T on transcript NM_000038.6 (MANE Select); coding-DNA position 6867, A replaced by T.
Protein change: p.Thr2289=; no amino-acid change (threonine 2289 retained).
Molecular consequence: synonymous variant. On other transcripts: non-coding transcript variant (2).
Genome position (GRCh38, 1-based): chr5:112,842,461, A>T. VCF-style: chr5-112842461-A-T. GRCh37 (hg19) VCF-style: chr5-112178158-A-T.
Other names: c.6867A>T, p.Thr2289= (NM_001127510.3, NM_001354895.2, NM_001407450.1); c.6813A>T, p.Thr2271= (NM_001127511.3); c.6921A>T, p.Thr2307= (NM_001354896.2, NM_001407447.1, NM_001407448.1 and 1 more transcripts); c.6897A>T, p.Thr2299= (NM_001354897.2); c.6792A>T, p.Thr2264= (NM_001354898.2); c.6783A>T, p.Thr2261= (NM_001354899.2); c.6744A>T, p.Thr2248= (NM_001354900.2); c.6690A>T, p.Thr2230= (NM_001354901.2, NM_001407453.1); and 11 more.
Identifiers: ClinVar variation 1755856 (VCV001755856.3), dbSNP rs770315986, ClinGen allele CA046312.